The following is an entry in ClinVar:

NM_152594.3(SPRED1):c.628G>A (p.Glu210Lys)

Gene: SPRED1 (sprouty related EVH1 domain containing 1; plus strand). Cytogenetic location: 15q14.
Variant type: single nucleotide variant.
Coding change: c.628G>A on transcript NM_152594.3 (MANE Select); coding-DNA position 628, G replaced by A.
Protein change: p.Glu210Lys; replaces glutamic acid 210 with lysine.
Molecular consequence: missense variant.
Genome position (GRCh38, 1-based): chr15:38,349,467, G>A. VCF-style: chr15-38349467-G-A. GRCh37 (hg19) VCF-style: chr15-38641668-G-A.
Other names: short protein forms E210K.
Identifiers: ClinVar variation 4615015 (VCV004615015.1).

ClinVar aggregate classification (germline): Uncertain significance (1 of 4 stars; one submission).

Conditions:
Cardiovascular phenotype. Identifiers: MedGen CN230736.

Submission:

Ambry Genetics
Classification: Uncertain significance for Cardiovascular phenotype. Last evaluated: 2025-10-13. Review status: criteria provided, single submitter. Criteria: Ambry Variant Classification Scheme 2023. Collection method: clinical testing. Allele origin: germline.
Comment: The p.E210K variant (also known as c.628G>A), located in coding exon 6 of the SPRED1 gene, results from a G to A substitution at nucleotide position 628. The glutamic acid at codon 210 is replaced by lysine, an amino acid with similar properties. This amino acid position is conserved. In addition, this alteration is predicted to be tolerated by in silico analysis. Based on the available evidence, the clinical significance of this variant remains unclear.